The following is an entry in ClinVar:

NM_000337.6(SGCD):c.*6875G>A

Gene: SGCD (sarcoglycan delta; plus strand). Cytogenetic location: 5q33.3.
Variant type: single nucleotide variant.
Coding change: c.*6875G>A on transcript NM_000337.6 (MANE Select); 6875 bases downstream of the stop codon, G replaced by A.
Molecular consequence: 3 prime UTR variant.
Genome position (GRCh38, 1-based): chr5:156,766,265, G>A. VCF-style: chr5-156766265-G-A. GRCh37 (hg19) VCF-style: chr5-156193276-G-A.
Other names: c.*6875G>A (NM_001128209.2).
Identifiers: ClinVar variation 905552 (VCV000905552.4), dbSNP rs74370429, ClinGen allele CA130642962.

ClinVar aggregate classification (germline): Benign (1 of 4 stars; one submission).

Conditions:
Qualitative or quantitative defects of delta-sarcoglycan. Identifiers: Orphanet 207070, MedGen C5680806, MONDO:0016144.

Allele frequency attached by ClinVar (database versions not stated): gnomAD 0.00821 and 0.00888; 1000 Genomes Project 0.00859; 1000 Genomes Project 30x 0.00937; TOPMed 0.00992.

Submission:

Illumina Laboratory Services, Illumina
Classification: Benign for Qualitative or quantitative defects of delta-sarcoglycan. Last evaluated: 2018-01-13. Review status: criteria provided, single submitter. Criteria: ICSL Variant Classification Criteria 13 December 2019. Collection method: clinical testing. Allele origin: germline.
Comment: This variant was observed in the ICSL laboratory as part of a predisposition screen in an ostensibly healthy population. It had not been previously curated by ICSL or reported in the Human Gene Mutation Database (HGMD: prior to June 1st, 2018), and was therefore a candidate for classification through an automated scoring system. Utilizing variant allele frequency, disease prevalence and penetrance estimates, and inheritance mode, an automated score was calculated to assess if this variant is too frequent to cause the disease. Based on the score and internal cut-off values, a variant classified as benign is not then subjected to further curation. The score for this variant resulted in a classification of benign for this disease.